The following is an entry in ClinVar:

ClinVar aggregate classification (germline): Uncertain significance (1 of 4 stars; one submission).

Allele frequency attached by ClinVar (database versions not stated): gnomAD exomes below 0.00001; gnomAD 0.00001; 1000 Genomes Project 30x 0.00016.

Submission:

Labcorp Genetics (formerly Invitae), Labcorp
Classification: Uncertain significance. Last evaluated: 2024-10-23. Review status: criteria provided, single submitter. Criteria: Invitae Variant Classification Sherloc (09022015). Collection method: clinical testing. Allele origin: germline.
Comment: This sequence change replaces glutamine, which is neutral and polar, with proline, which is neutral and non-polar, at codon 29 of the FBXO11 protein (p.Gln29Pro). This variant is not present in population databases (gnomAD no frequency). This variant has not been reported in the literature in individuals affected with FBXO11-related conditions. Experimental studies and prediction algorithms are not available or were not evaluated, and the functional significance of this variant is currently unknown. In summary, the available evidence is currently insufficient to determine the role of this variant in disease. Therefore, it has been classified as a Variant of Uncertain Significance.

NM_001190274.2(FBXO11):c.86A>C (p.Gln29Pro)

Genes: FBXO11 (F-box protein 11; minus strand), LOC100506235 (uncharacterized LOC100506235; plus strand). Cytogenetic location: 2p16.3.
Variant type: single nucleotide variant.
Coding change: c.86A>C on transcript NM_001190274.2 (MANE Select); coding-DNA position 86, A replaced by C.
Protein change: p.Gln29Pro; replaces glutamine 29 with proline.
Molecular consequence: missense variant. On other transcripts: non-coding transcript variant (1).
Genome position (GRCh38, 1-based): chr2:47,905,635, T>G on the plus strand (A>C on the coding strand, the complement: FBXO11 is on the minus strand). VCF-style: chr2-47905635-T-G. GRCh37 (hg19) VCF-style: chr2-48132774-T-G.
Other names: short protein forms Q29P.
Identifiers: ClinVar variation 2993100 (VCV002993100.3), dbSNP rs1678751201, ClinGen allele CA346812872.